The following is an entry in ClinVar:

ClinVar aggregate classification (germline): Pathogenic. Review status: criteria provided, single submitter (1 of 4 stars). 2 submissions from 2 submitters: Pathogenic (1). 1 of the submissions does not count toward it. Last evaluated 2019-05-31.

Conditions:
Neuropathy, hereditary motor and sensory, type 6B (HMSN6B). Also called: Neuropathy, hereditary motor and sensory, type VIB; NEUROPATHY, HEREDITARY MOTOR AND SENSORY, TYPE VIB, WITH OPTIC ATROPHY; HMSN VIB; CHARCOT-MARIE-TOOTH DISEASE, TYPE 6B. Identifiers: MedGen C4225302, MONDO:0014671, OMIM 616505.
Pontocerebellar hypoplasia, type 1E. Identifiers: MedGen C5543328, MONDO:0030260, OMIM 619303.

Allele frequency attached by ClinVar (database versions not stated): gnomAD exomes below 0.00001.
gnomAD v4.1: 1 of 1,574,176 alleles (0.000064%); highest among the groups gnomAD compares: Non-Finnish European, 0.000086%; no homozygotes.

Submissions (2):

Labcorp Genetics (formerly Invitae), Labcorp
Classification: Pathogenic for Neuropathy, hereditary motor and sensory, type 6B. Last evaluated: 2019-05-31. Review status: criteria provided, single submitter. Criteria: Invitae Variant Classification Sherloc (09022015). Collection method: clinical testing. Allele origin: germline.
Comment: Donor and acceptor splice site variants typically lead to a loss of protein function (PMID: 16199547), and loss-of-function variants in SLC25A46 are known to be pathogenic (PMID: 26168012, 26951855, 27543974). For these reasons, this variant has been classified as Pathogenic. This variant has been observed to be in trans (on the opposite chromosome) from a pathogenic variant and to segregate with pontocerebellar hypoplasia in a family (PMID: 28653766). This variant is not present in population databases (ExAC no frequency). This sequence change affects a donor splice site in intron 4 of the SLC25A46 gene. It is expected to disrupt RNA splicing and likely results in an absent or disrupted protein product.

OMIM
Classification: Pathogenic for PONTOCEREBELLAR HYPOPLASIA, TYPE 1E. Last evaluated: 2021-05-06. Review status: no assertion criteria provided. Collection method: literature only. Allele origin: germline. Not counted in ClinVar's aggregate classification.

Literature cited by the submitters: PubMed 16199547 (cited by Labcorp Genetics (formerly Invitae), Labcorp); PubMed 26168012 (cited by Labcorp Genetics (formerly Invitae), Labcorp); PubMed 26951855 (cited by Labcorp Genetics (formerly Invitae), Labcorp); PubMed 27543974 (cited by Labcorp Genetics (formerly Invitae), Labcorp); PubMed 28653766 (cited by Labcorp Genetics (formerly Invitae), Labcorp and OMIM).

NM_138773.4(SLC25A46):c.462+1G>A

Gene: SLC25A46 (solute carrier family 25 member 46; plus strand). Cytogenetic location: 5q22.1.
Variant type: single nucleotide variant.
Coding change: c.462+1G>A on transcript NM_138773.4 (MANE Select); the canonical splice donor site of the intron after coding-DNA position 462, G replaced by A.
Molecular consequence: splice donor variant.
Genome position (GRCh38, 1-based): chr5:110,746,347, G>A. VCF-style: chr5-110746347-G-A. GRCh37 (hg19) VCF-style: chr5-110082048-G-A.
Other names: IVS4DS, G-A, +1; c.189+1G>A (NM_001303250.3); c.462+1G>A (NM_001303249.3).
Identifiers: ClinVar variation 938735 (VCV000938735.8), dbSNP rs1799819389, ClinGen allele CA360694568.